The following is an entry in ClinVar:

NM_000138.5(FBN1):c.6320T>G (p.Phe2107Cys)

Gene: FBN1 (fibrillin 1; minus strand). Cytogenetic location: 15q21.1.
Variant type: single nucleotide variant.
Coding change: c.6320T>G on transcript NM_000138.5 (MANE Select); coding-DNA position 6320, T replaced by G.
Protein change: p.Phe2107Cys; replaces phenylalanine 2107 with cysteine.
Molecular consequence: missense variant.
Genome position (GRCh38, 1-based): chr15:48,437,381, A>C on the plus strand (T>G on the coding strand, the complement: FBN1 is on the minus strand). VCF-style: chr15-48437381-A-C. GRCh37 (hg19) VCF-style: chr15-48729578-A-C.
Other names: short protein forms F2107C.
Identifiers: ClinVar variation 547339 (VCV000547339.5), dbSNP rs1555395230, ClinGen allele CA392336856.
Genomic context (GRCh38, chr15:48,437,381, plus strand): 5'-CCAACTGCTGAATCATCAGGTCCCACGATGATCCCACTTCCATAAGGACATATCTGGCGG[A>C]AGGCCTCTGTGGTGGAGACACTCATTAATAGATAGAACAATAGCAATTCATTACAAGCTT-3'
Protein context (NP_000129.3, residues 2097-2117): ELCPTEPDEA[Phe2107Cys]RQICPYGSGI

ClinVar aggregate classification (germline): Uncertain significance. Review status: criteria provided, multiple submitters, no conflicts (2 of 4 stars). 3 submissions from 3 submitters: Uncertain significance (3). Last evaluated 2026-06-30.

Conditions:
Familial thoracic aortic aneurysm and aortic dissection (TAAD). Also called: Thoracic aortic aneurysms and dissections. Identifiers: Orphanet 91387, MedGen C4707243, MONDO:0019625.
Marfan syndrome (MFS). Also called: Marfan syndrome type 1; Marfan syndrome, classic; Marfan's syndrome; FBN1-Related Marfan Syndrome; MARFAN SYNDROME, TYPE I. Identifiers: Orphanet 284963, Orphanet 558, MedGen C0024796, MONDO:0007947, OMIM 154700.

Submissions (3):

Women's Health and Genetics/Laboratory Corporation of America, LabCorp
Classification: Uncertain significance. Last evaluated: 2026-06-30. Review status: criteria provided, single submitter. Criteria: LabCorp Variant Classification Summary - May 2015. Collection method: clinical testing. Allele origin: germline.
Comment: Variant summary: FBN1 c.6320T>G (p.Phe2107Cys) results in a non-conservative amino acid change in the encoded protein sequence. Algorithms developed to predict the effect of missense changes on protein structure and function all suggest that this variant is likely to be disruptive. The variant was absent in 250398 control chromosomes. To our knowledge, no occurrence of c.6320T>G in individuals affected with FBN1-related conditions and no experimental evidence demonstrating its impact on protein function have been reported. ClinVar contains an entry for this variant (Variation ID: 547339). Missense mutations affecting cysteine residues are listed among the criteria for a causal FBN1 mutation when identified as de novo (with proven paternity) in the revised Ghent criteria for the diagnosis of Marfan and related conditions (Loeys 2010). Based on the evidence outlined above, the variant was classified as VUS-possibly pathogenic until the de novo origin of this variant is unequivocally confirmed.

Labcorp Genetics (formerly Invitae), Labcorp
Classification: Uncertain significance for Marfan syndrome; Familial thoracic aortic aneurysm and aortic dissection. Last evaluated: 2025-04-23. Review status: criteria provided, single submitter. Criteria: Invitae Variant Classification Sherloc (09022015). Collection method: clinical testing. Allele origin: germline.
Comment: This sequence change replaces phenylalanine, which is neutral and non-polar, with cysteine, which is neutral and slightly polar, at codon 2107 of the FBN1 protein (p.Phe2107Cys). This variant is not present in population databases (gnomAD no frequency). This variant has not been reported in the literature in individuals affected with FBN1-related conditions. ClinVar contains an entry for this variant (Variation ID: 547339). Invitae Evidence Modeling of protein sequence and biophysical properties (such as structural, functional, and spatial information, amino acid conservation, physicochemical variation, residue mobility, and thermodynamic stability) indicates that this missense variant is expected to disrupt FBN1 protein function with a positive predictive value of 95%. In summary, the available evidence is currently insufficient to determine the role of this variant in disease. Therefore, it has been classified as a Variant of Uncertain Significance.

Center for Human Genetics, Inc
Classification: Uncertain significance for Marfan syndrome. Last evaluated: 2016-11-01. Review status: criteria provided, single submitter. Criteria: ACMG Guidelines, 2015. Collection method: clinical testing. Allele origin: germline. Affected: yes.